The following is an entry in ClinVar:

ClinVar aggregate classification (germline): Uncertain significance (1 of 4 stars; one submission).

Allele frequency attached by ClinVar (database versions not stated): gnomAD exomes below 0.00001.
gnomAD v4.1: 2 of 1,614,202 alleles (0.00012%); highest among the groups gnomAD compares: Admixed American, 0.0017%; no homozygotes.

Submission:

Labcorp Genetics (formerly Invitae), Labcorp
Classification: Uncertain significance. Last evaluated: 2023-07-07. Review status: criteria provided, single submitter. Criteria: Invitae Variant Classification Sherloc (09022015). Collection method: clinical testing. Allele origin: germline.
Comment: This sequence change replaces proline, which is neutral and non-polar, with leucine, which is neutral and non-polar, at codon 1288 of the IGF1R protein (p.Pro1288Leu). This variant is present in population databases (no rsID available, gnomAD 0.003%). This variant has not been reported in the literature in individuals affected with IGF1R-related conditions. ClinVar contains an entry for this variant (Variation ID: 1968924). Advanced modeling of protein sequence and biophysical properties (such as structural, functional, and spatial information, amino acid conservation, physicochemical variation, residue mobility, and thermodynamic stability) performed at Invitae indicates that this missense variant is not expected to disrupt IGF1R protein function. In summary, the available evidence is currently insufficient to determine the role of this variant in disease. Therefore, it has been classified as a Variant of Uncertain Significance.

NM_000875.5(IGF1R):c.3863C>T (p.Pro1288Leu)

Gene: IGF1R (insulin like growth factor 1 receptor; plus strand). Cytogenetic location: 15q26.3.
Variant type: single nucleotide variant.
Coding change: c.3863C>T on transcript NM_000875.5 (MANE Select); coding-DNA position 3863, C replaced by T.
Protein change: p.Pro1288Leu; replaces proline 1288 with leucine.
Molecular consequence: missense variant.
Genome position (GRCh38, 1-based): chr15:98,957,201, C>T. VCF-style: chr15-98957201-C-T. GRCh37 (hg19) VCF-style: chr15-99500430-C-T.
Other names: c.3860C>T, p.Pro1287Leu (NM_001291858.2); short protein forms P1287L, P1288L.
Identifiers: ClinVar variation 1968924 (VCV001968924.5), dbSNP rs1412431600, ClinGen allele CA393668727.